The following is an entry in ClinVar:

ClinVar aggregate classification (germline): Uncertain significance (1 of 4 stars; one submission).

Conditions:
Inborn genetic diseases. Identifiers: MedGen C0950123, MeSH D030342.

Allele frequency attached by ClinVar (database versions not stated): gnomAD exomes below 0.00001.
gnomAD v4.1: 1 of 1,614,220 alleles (0.000062%); highest among the groups gnomAD compares: Non-Finnish European, 0.000085%; no homozygotes.

Submission:

Ambry Genetics
Classification: Uncertain significance for Inborn genetic diseases. Last evaluated: 2021-10-08. Review status: criteria provided, single submitter. Criteria: Ambry Variant Classification Scheme 2023. Collection method: clinical testing. Allele origin: germline.
Comment: The p.L224P variant (also known as c.671T>C), located in coding exon 6 of the VAPB gene, results from a T to C substitution at nucleotide position 671. The leucine at codon 224 is replaced by proline, an amino acid with similar properties. This amino acid position is conserved. In addition, the in silico prediction for this alteration is inconclusive. Since supporting evidence is limited at this time, the clinical significance of this alteration remains unclear.

NM_004738.5(VAPB):c.671T>C (p.Leu224Pro)

Gene: VAPB (VAMP associated protein B and C; plus strand). Cytogenetic location: 20q13.32.
Variant type: single nucleotide variant.
Coding change: c.671T>C on transcript NM_004738.5 (MANE Select); coding-DNA position 671, T replaced by C.
Protein change: p.Leu224Pro; replaces leucine 224 with proline.
Molecular consequence: missense variant. On other transcripts: 3 prime UTR variant (1), non-coding transcript variant (1).
Genome position (GRCh38, 1-based): chr20:58,444,174, T>C. VCF-style: chr20-58444174-T-C. GRCh37 (hg19) VCF-style: chr20-57019230-T-C.
Other names: c.*9T>C (NM_001195677.2); short protein forms L224P.
Identifiers: ClinVar variation 1755089 (VCV001755089.2), dbSNP rs2516071180, ClinGen allele CA409440298.